The following is an entry in ClinVar:

NM_020631.6(PLEKHG5):c.621G>A (p.Ser207=)

Gene: PLEKHG5 (pleckstrin homology and RhoGEF domain containing G5; minus strand). Cytogenetic location: 1p36.31.
Variant type: single nucleotide variant.
Coding change: c.621G>A on transcript NM_020631.6 (MANE Select); coding-DNA position 621, G replaced by A.
Protein change: p.Ser207=; no amino-acid change (serine 207 retained).
Molecular consequence: synonymous variant.
Genome position (GRCh38, 1-based): chr1:6,473,425, C>T on the plus strand (G>A on the coding strand, the complement: PLEKHG5 is on the minus strand). VCF-style: chr1-6473425-C-T. GRCh37 (hg19) VCF-style: chr1-6533485-C-T.
Other names: c.732G>A, p.Ser244= (NM_001042663.3, NM_001265592.2); c.621G>A, p.Ser207= (NM_001042664.2, NM_001042665.2, NM_001265594.3 and 1 more transcripts); c.828G>A, p.Ser276= (NM_001265593.2).
Identifiers: ClinVar variation 388985 (VCV000388985.12), dbSNP rs973366523, ClinGen allele CA16603781.
Genomic context (GRCh38, chr1:6,473,425, plus strand): 5'-AGAGCAGCTGGAGGGCGTGGGGGGCTCCTGCCCGGGGATGCTCGCCTCCCCCAGGAACTC[C>T]GACATGTTCTTGCGGCGGCGGCCAGGGGCCTGGTCAGGGAAGGGTGGTCAGGGCCGGGAC-3'
Protein context (NP_065682.2, residues 197-217): LAPGRRRKNM[Ser207=]EFLGEASIPG

ClinVar aggregate classification (germline): Likely benign. Review status: criteria provided, multiple submitters, no conflicts (2 of 4 stars). 3 submissions from 3 submitters: Likely benign (3). Last evaluated 2024-04-08.

Conditions:
Inborn genetic diseases. Identifiers: MedGen C0950123, MeSH D030342.
Neuronopathy, distal hereditary motor, autosomal recessive 4. Also called: Autosomal recessive lower motor neuron disease with childhood onset; NEUROPATHY, DISTAL HEREDITARY MOTOR, AUTOSOMAL RECESSIVE 4. Identifiers: Orphanet 206580, MedGen C1970211, MONDO:0012608, OMIM 611067.
Charcot-Marie-Tooth disease recessive intermediate C. Also called: CHARCOT-MARIE-TOOTH NEUROPATHY, RECESSIVE INTERMEDIATE C. Identifiers: Orphanet 369867, MedGen C3809309, MONDO:0014154, OMIM 615376.

Allele frequency attached by ClinVar (database versions not stated): TOPMed below 0.00001; gnomAD 0.00001; gnomAD exomes 0.00001.
gnomAD v4.1: 12 of 1,540,288 alleles (0.00078%); highest among the groups gnomAD compares: South Asian, 0.0048%; no homozygotes.

Submissions (3):

Labcorp Genetics (formerly Invitae), Labcorp
Classification: Likely benign for Neuronopathy, distal hereditary motor, autosomal recessive 4; Charcot-Marie-Tooth disease recessive intermediate C. Last evaluated: 2024-04-08. Review status: criteria provided, single submitter. Criteria: Invitae Variant Classification Sherloc (09022015). Collection method: clinical testing. Allele origin: germline.

Ambry Genetics
Classification: Likely benign for Inborn genetic diseases. Last evaluated: 2019-07-11. Review status: criteria provided, single submitter. Criteria: Ambry Variant Classification Scheme 2023. Collection method: clinical testing. Allele origin: germline.

GeneDx
Classification: Likely benign. Last evaluated: 2016-08-30. Review status: criteria provided, single submitter. Criteria: GeneDx Variant Classification (06012015). Collection method: clinical testing. Allele origin: germline. Affected: yes.
Comment: This variant is considered likely benign or benign based on one or more of the following criteria: it is a conservative change, it occurs at a poorly conserved position in the protein, it is predicted to be benign by multiple in silico algorithms, and/or has population frequency not consistent with disease.